The following is an entry in ClinVar:

NM_007347.5(AP4E1):c.1283A>G (p.Asn428Ser)

Gene: AP4E1 (adaptor related protein complex 4 subunit epsilon 1; plus strand). Cytogenetic location: 15q21.2.
Variant type: single nucleotide variant.
Coding change: c.1283A>G on transcript NM_007347.5 (MANE Select); coding-DNA position 1283, A replaced by G.
Protein change: p.Asn428Ser; replaces asparagine 428 with serine.
Molecular consequence: missense variant.
Genome position (GRCh38, 1-based): chr15:50,948,126, A>G. VCF-style: chr15-50948126-A-G. GRCh37 (hg19) VCF-style: chr15-51240323-A-G.
Other names: c.1058A>G, p.Asn353Ser (NM_001252127.2); short protein forms N428S, N353S.
Identifiers: ClinVar variation 128393 (VCV000128393.23), dbSNP rs116796602, ClinGen allele CA151838.

ClinVar aggregate classification (germline): Benign/Likely benign. Review status: criteria provided, multiple submitters, no conflicts (2 of 4 stars). 8 submissions from 7 submitters: Benign (3); Likely benign (3). 2 of the submissions do not count toward it. Last evaluated 2026-01-25.

Conditions:
AP4E1-related disorder. Also called: AP4E1-related condition.
Spastic paraplegia. Identifiers: MedGen C0037772, HP:0001258.
Stuttering, familial persistent, 1. Also called: STAMMERING. Identifiers: MedGen C3489627, MONDO:0008483, OMIM 184450.
Hereditary spastic paraplegia. Also called: Familial spastic paraparesis. Identifiers: Orphanet 685, MedGen C0037773, MONDO:0019064. Disease mechanism: loss of function.
Hereditary spastic paraplegia 51. Also called: CEREBRAL PALSY, SPASTIC QUADRIPLEGIC, 4; Spastic paraplegia 51, autosomal recessive. Identifiers: Orphanet 280763, MedGen C3151056, MONDO:0013401, OMIM 613744.

Allele frequency attached by ClinVar (database versions not stated): gnomAD exomes 0.00121; ExAC 0.00144; gnomAD 0.00449 and 0.00488; ESP Exome Variant Server 0.00462; 1000 Genomes Project 30x 0.00500; TOPMed 0.00540; 1000 Genomes Project 0.00559.
gnomAD v4.1: 1,363 of 1,613,988 alleles (0.084%); highest among the groups gnomAD compares: African/African-American, 1.6%; 11 homozygotes.

Submissions (8):

Labcorp Genetics (formerly Invitae), Labcorp
Classification: Benign for Spastic paraplegia. Last evaluated: 2026-01-25. Review status: criteria provided, single submitter. Criteria: Invitae Variant Classification Sherloc (09022015). Collection method: clinical testing. Allele origin: germline.

Genome-Nilou Lab
Classification: Benign for Hereditary spastic paraplegia 51. Last evaluated: 2021-12-05. Review status: criteria provided, single submitter. Criteria: ACMG Guidelines, 2015. Collection method: clinical testing. Allele origin: germline. Affected: no.

Genome-Nilou Lab
Classification: Benign for Stuttering, familial persistent, 1. Last evaluated: 2021-12-05. Review status: criteria provided, single submitter. Criteria: ACMG Guidelines, 2015. Collection method: clinical testing. Allele origin: germline. Affected: no.

Genome Diagnostics Laboratory, The Hospital for Sick Children
Classification: Likely benign for Hereditary spastic paraplegia. Last evaluated: 2018-09-01. Review status: criteria provided, single submitter. Criteria: ACMG Guidelines, 2015. Collection method: clinical testing. Allele origin: germline. Affected: yes.

Center for Pediatric Genomic Medicine, Children's Mercy Hospital and Clinics
Classification: Likely benign. Last evaluated: 2016-04-25. Review status: criteria provided, single submitter. Criteria: ACMG Guidelines, 2015. Collection method: clinical testing. Allele origin: germline.
ClinVar note: Converted during submission from Likely Benign to Likely benign.

Breakthrough Genomics
Classification: Likely benign. Review status: criteria provided, single submitter. Criteria: ACMG Guidelines, 2015. Collection method: not provided. Allele origin: germline. Inheritance: Autosomal recessive inheritance. Affected: yes.

PreventionGenetics, part of Exact Sciences
Classification: Benign for AP4E1-related condition. Last evaluated: 2019-12-05. Review status: no assertion criteria provided. Collection method: clinical testing. Allele origin: germline. Not counted in ClinVar's aggregate classification.
Comment: This variant is classified as benign based on ACMG/AMP sequence variant interpretation guidelines (Richards et al. 2015 PMID: 25741868, with internal and published modifications).

Genetic Services Laboratory, University of Chicago
Classification: Likely benign for AllHighlyPenetrant. Review status: no assertion criteria provided. Collection method: clinical testing. Allele origin: germline. Inheritance: Autosomal recessive inheritance. Not counted in ClinVar's aggregate classification.
Comment: Likely benign based on allele frequency in 1000 Genomes Project or ESP global frequency and its presence in a patient with a rare or unrelated disease phenotype. NOT Sanger confirmed.